The following is an entry in ClinVar:

ClinVar aggregate classification (germline): Pathogenic. Review status: criteria provided, single submitter (1 of 4 stars). 2 submissions from 2 submitters: Pathogenic (1). 1 of the submissions does not count toward it. Last evaluated 2022-07-15.

Conditions:
Duchenne muscular dystrophy (DMD). Also called: MUSCULAR DYSTROPHY, PSEUDOHYPERTROPHIC PROGRESSIVE, DUCHENNE TYPE; Duchenne Muscular Dystrophy (DMD). Identifiers: Orphanet 98896, MedGen C0013264, MONDO:0010679, OMIM 310200.

Submissions (2):

Labcorp Genetics (formerly Invitae), Labcorp
Classification: Pathogenic for Duchenne muscular dystrophy. Last evaluated: 2022-07-15. Review status: criteria provided, single submitter. Criteria: Invitae Variant Classification Sherloc (09022015). Collection method: clinical testing. Allele origin: germline.
Comment: This sequence change creates a premature translational stop signal (p.Lys770*) in the DMD gene. It is expected to result in an absent or disrupted protein product. Loss-of-function variants in DMD are known to be pathogenic (PMID: 16770791, 25007885). For these reasons, this variant has been classified as Pathogenic. ClinVar contains an entry for this variant (Variation ID: 11250). This premature translational stop signal has been observed in individual(s) with DMD-related conditions (PMID: 7951253). This variant is not present in population databases (gnomAD no frequency).

OMIM
Classification: Pathogenic for DUCHENNE MUSCULAR DYSTROPHY. Last evaluated: 1994-01-01. Review status: no assertion criteria provided. Collection method: literature only. Allele origin: germline. Not counted in ClinVar's aggregate classification.

Literature cited by the submitters: PubMed 16770791 (cited by Labcorp Genetics (formerly Invitae), Labcorp); PubMed 25007885 (cited by Labcorp Genetics (formerly Invitae), Labcorp); PubMed 7951253 (cited by Labcorp Genetics (formerly Invitae), Labcorp and OMIM).

NM_004006.3(DMD):c.2308A>T (p.Lys770Ter)

Gene: DMD (dystrophin; minus strand). Cytogenetic location: Xp21.1.
Variant type: single nucleotide variant.
Coding change: c.2308A>T on transcript NM_004006.3 (MANE Select); coding-DNA position 2308, A replaced by T.
Protein change: p.Lys770Ter; replaces lysine 770 with a stop codon.
Molecular consequence: nonsense.
Genome position (GRCh38, 1-based): chrX:32,501,827, T>A on the plus strand (A>T on the coding strand, the complement: DMD is on the minus strand). VCF-style: chrX-32501827-T-A. GRCh37 (hg19) VCF-style: chrX-32519944-T-A.
Other names: c.2284A>T, p.Lys762Ter (NM_000109.4); c.2296A>T, p.Lys766Ter (NM_004009.3); c.1939A>T, p.Lys647Ter (NM_004010.3); short protein forms K770*, K766*, K762*, K647*.
Identifiers: ClinVar variation 11250 (VCV000011250.7), dbSNP rs128626243, ClinGen allele CA341055.